The following is an entry in ClinVar:

NM_177924.5(ASAH1):c.211C>T (p.Pro71Ser)

Gene: ASAH1 (N-acylsphingosine amidohydrolase 1; minus strand). Cytogenetic location: 8p22.
Variant type: single nucleotide variant.
Coding change: c.211C>T on transcript NM_177924.5 (MANE Select); coding-DNA position 211, C replaced by T.
Protein change: p.Pro71Ser; replaces proline 71 with serine.
Molecular consequence: missense variant. On other transcripts: non-coding transcript variant (1).
Genome position (GRCh38, 1-based): chr8:18,071,305, G>A on the plus strand (C>T on the coding strand, the complement: ASAH1 is on the minus strand). VCF-style: chr8-18071305-G-A. GRCh37 (hg19) VCF-style: chr8-17928814-G-A.
Other names: c.280C>T, p.Pro94Ser (NM_001127505.3); c.16C>T, p.Pro6Ser (NM_001363743.2); c.259C>T, p.Pro87Ser (NM_004315.6); short protein forms P6S, P71S, P87S, P94S.
Identifiers: ClinVar variation 4884500 (VCV004884500.1).

ClinVar aggregate classification (germline): Uncertain significance (1 of 4 stars; one submission).

Conditions:
Spinal muscular atrophy-progressive myoclonic epilepsy syndrome. Also called: Hereditary myoclonus and progressive distal muscular atrophy; MYOCLONUS, HEREDITARY, WITH PROGRESSIVE DISTAL MUSCULAR ATROPHY; Spinal Muscular Atrophy with Progressive Myoclonic Epilepsy (SMA-PME); Spinal muscular atrophy with progressive myoclonic epilepsy. Identifiers: Orphanet 2590, MedGen C1834569, MONDO:0008045, OMIM 159950.

Submission:

Diagnostics Services (NGS), CSIR - Centre For Cellular And Molecular Biology
Classification: Uncertain significance for Spinal muscular atrophy-progressive myoclonic epilepsy syndrome. Last evaluated: 2026-07-29. Review status: criteria provided, single submitter. Criteria: ACMG Guidelines, 2015. Collection method: clinical testing. Allele origin: germline. Affected: yes. Observed: 1 variant allele, 1 homozygote.
Comment: The c.211C>T variant is not present in publicly available population databases like 1000 Genomes, EVS, Indian Exome Database or in our internal database. The variant is present in gnomAD at low frequencies. This variant has neither been published in the literature for ASAH1-related conditions nor reported to clinical databases like Human Genome Mutation Database (HGMD), ClinVar or OMIM in any affected individuals. In-silico pathogenicity prediction programs like SIFT, Polyphen2, MutationTaster2021, REVEL, CADD, Franklin, Varsome, etc. predicted this variant to be not likely deleterious, however these predictions were not confirmed by published functional studies. This variant is present near the exon-intron splice junction (splice distance- 6 bp) of the gene that may affect splicing however algorithms developed to predict the effect of sequence changes on RNA splicing suggest that this variant significantly alters ESE/ESS motifs ratio.